The following is an entry in ClinVar:

NM_022829.6(SLC13A3):c.619C>G (p.Pro207Ala)

Gene: SLC13A3 (solute carrier family 13 member 3; minus strand). Cytogenetic location: 20q13.12.
Variant type: single nucleotide variant.
Coding change: c.619C>G on transcript NM_022829.6 (MANE Select); coding-DNA position 619, C replaced by G.
Protein change: p.Pro207Ala; replaces proline 207 with alanine.
Molecular consequence: missense variant. On other transcripts: synonymous variant (1).
Genome position (GRCh38, 1-based): chr20:46,596,332, G>C on the plus strand (C>G on the coding strand, the complement: SLC13A3 is on the minus strand). VCF-style: chr20-46596332-G-C. GRCh37 (hg19) VCF-style: chr20-45224971-G-C.
Other names: c.478C>G, p.Pro160Ala (NM_001011554.3, NM_001193340.2); c.552C>G, p.Thr184= (NM_001193339.2); c.325C>G, p.Pro109Ala (NM_001193342.2); c.619C>G (NM_022829.5); short protein forms P109A, P207A, P160A.
Identifiers: ClinVar variation 1461699 (VCV001461699.9), dbSNP rs200185428, ClinGen allele CA9891558.
Genomic context (GRCh38, chr20:46,596,332, plus strand): 5'-GATATTCATCCTCCTTCCTGGAGTCAGCCGGCAGATCCAGTGGAACCTCTGTCTCCCCAG[G>C]GTGGTCTTTGCTTTAAACAAATCCAAAGAGAAGCCATTCAGAATACATGGAGAACAGGCC-3'
Protein context (NP_073740.2, residues 197-217): FLASTEAKDH[Pro207Ala]GETEVPLDLP

ClinVar aggregate classification (germline): Uncertain significance. Review status: criteria provided, multiple submitters, no conflicts (2 of 4 stars). 2 submissions from 2 submitters: Uncertain significance (2). Last evaluated 2025-08-21.

Allele frequency attached by ClinVar (database versions not stated): gnomAD exomes 0.00001 and 0.00002; gnomAD 0.00002 and 0.00003; ExAC 0.00003; 1000 Genomes Project 30x 0.00016; 1000 Genomes Project 0.00020.
gnomAD v4.1: 19 of 1,613,992 alleles (0.0012%); highest among the groups gnomAD compares: Middle Eastern, 0.05%; no homozygotes.

Submissions (2):

Labcorp Genetics (formerly Invitae), Labcorp
Classification: Uncertain significance. Last evaluated: 2025-08-21. Review status: criteria provided, single submitter. Criteria: Invitae Variant Classification Sherloc (09022015). Collection method: clinical testing. Allele origin: germline.
Comment: This sequence change replaces proline, which is neutral and non-polar, with alanine, which is neutral and non-polar, at codon 207 of the SLC13A3 protein (p.Pro207Ala). This variant is present in population databases (rs200185428, gnomAD 0.03%). This variant has not been reported in the literature in individuals affected with SLC13A3-related conditions. ClinVar contains an entry for this variant (Variation ID: 1461699). An algorithm developed to predict the effect of missense changes on protein structure and function outputs the following: PolyPhen-2: "Benign". The alanine amino acid residue is found in multiple mammalian species, which suggests that this missense change does not adversely affect protein function. In summary, the available evidence is currently insufficient to determine the role of this variant in disease. Therefore, it has been classified as a Variant of Uncertain Significance.

Ambry Genetics
Classification: Uncertain significance. Last evaluated: 2024-08-11. Review status: criteria provided, single submitter. Criteria: Ambry Variant Classification Scheme 2023. Collection method: clinical testing. Allele origin: germline.